The following is an entry in ClinVar:

NM_000194.2(HPRT1):c.239A>T (p.Asp80Val)

Gene: HPRT1 (hypoxanthine phosphoribosyltransferase 1; plus strand). Cytogenetic location: Xq26.2.
Variant type: single nucleotide variant.
Coding change: c.239A>T on transcript NM_000194.2; coding-DNA position 239, A replaced by T.
Protein change: p.Asp80Val; replaces aspartic acid 80 with valine.
Molecular consequence: missense variant (on NM_000194.3).
Genome position (GRCh38, 1-based): chrX:134,475,285, A>T. VCF-style: chrX-134475285-A-T. GRCh37 (hg19) VCF-style: chrX-133609315-A-T.
Other names: c.239A>T, p.Asp80Val (NM_000194.3); short protein forms D80V.
Identifiers: ClinVar variation 10030 (VCV000010030.11), dbSNP rs137852478, ClinGen allele CA120888.
Genomic context (GRCh38, chrX:134,475,285, plus strand): 5'-ATCACATTGTAGCCCTCTGTGTGCTCAAGGGGGGCTATAAATTCTTTGCTGACCTGCTGG[A>T]TTACATCAAAGCACTGAATAGAAATAGTGATAGATCCATTCCTATGACTGTAGATTTTAT-3'
Protein context (NP_000185.1, residues 70-90): GGYKFFADLL[Asp80Val]YIKALNRNSD

ClinVar aggregate classification (germline): Likely pathogenic. Review status: criteria provided, single submitter (1 of 4 stars). 3 submissions from 2 submitters: Likely pathogenic (1). 2 of the submissions do not count toward it. Last evaluated 2021-01-11.

Conditions:
HPRT ARLINGTON.
Lesch-Nyhan syndrome (LNS). Also called: HPRT DEFICIENCY, COMPLETE; Lesch-Nyhan Disease (LND). Identifiers: Orphanet 510, MedGen C0023374, MONDO:0010298, OMIM 300322.
Partial hypoxanthine-guanine phosphoribosyltransferase deficiency. Also called: HPRT DEFICIENCY, PARTIAL; HYPOXANTHINE GUANINE PHOSPHORIBOSYLTRANSFERASE 1 DEFICIENCY, PARTIAL; HPRT1 DEFICIENCY, PARTIAL; Kelley-Seegmiller Syndrome; GOUT, HPRT-RELATED. Identifiers: Orphanet 79233, MedGen C0268117, MONDO:0010299, OMIM 300323.

Submissions (3):

Labcorp Genetics (formerly Invitae), Labcorp
Classification: Likely pathogenic for Lesch-Nyhan syndrome; Partial hypoxanthine-guanine phosphoribosyltransferase deficiency. Last evaluated: 2021-01-11. Review status: criteria provided, single submitter. Criteria: Invitae Variant Classification Sherloc (09022015). Collection method: clinical testing. Allele origin: germline.
Comment: In summary, the currently available evidence indicates that the variant is pathogenic, but additional data are needed to prove that conclusively. Therefore, this variant has been classified as Likely Pathogenic. This sequence change replaces aspartic acid with valine at codon 80 of the HPRT1 protein (p.Asp80Val). The aspartic acid residue is highly conserved and there is a large physicochemical difference between aspartic acid and valine. This variant is not present in population databases (ExAC no frequency). This variant has been observed in individual(s) with clinical features of HPRT deficiency (PMID: 20176575, 2738157, Invitae). This variant is also known as HPRT Arlington in the literature. ClinVar contains an entry for this variant (Variation ID: 10030). Experimental studies have shown that this variant affects HPRT1 protein function (PMID: 25481104).

OMIM
Classification: other for HPRT ARLINGTON. Last evaluated: 2020-09-10. Review status: no assertion criteria provided. Collection method: literature only. Allele origin: germline. Not counted in ClinVar's aggregate classification.

OMIM
Classification: Pathogenic for HYPERURICEMIA, HPRT-RELATED. Last evaluated: 1989-07-01. Review status: no assertion criteria provided. Collection method: literature only. Allele origin: germline. Not counted in ClinVar's aggregate classification.

Literature cited by the submitters: PubMed 20176575 (cited by Labcorp Genetics (formerly Invitae), Labcorp); PubMed 2738157 (cited by Labcorp Genetics (formerly Invitae), Labcorp and OMIM); PubMed 25481104 (cited by Labcorp Genetics (formerly Invitae), Labcorp).